The following is an entry in ClinVar:

NM_000334.4(SCN4A):c.845G>A (p.Arg282His)

Gene: SCN4A (sodium voltage-gated channel alpha subunit 4; minus strand). Cytogenetic location: 17q23.3.
Variant type: single nucleotide variant.
Coding change: c.845G>A on transcript NM_000334.4 (MANE Select); coding-DNA position 845, G replaced by A.
Protein change: p.Arg282His; replaces arginine 282 with histidine.
Molecular consequence: missense variant.
Genome position (GRCh38, 1-based): chr17:63,968,214, C>T on the plus strand (G>A on the coding strand, the complement: SCN4A is on the minus strand). VCF-style: chr17-63968214-C-T. GRCh37 (hg19) VCF-style: chr17-62045574-C-T.
Other names: short protein forms R282H.
Identifiers: ClinVar variation 579612 (VCV000579612.19), dbSNP rs200615763, ClinGen allele CA8710024.

ClinVar aggregate classification (germline): Uncertain significance. Review status: criteria provided, multiple submitters, no conflicts (2 of 4 stars). 5 submissions from 5 submitters: Uncertain significance (5). Last evaluated 2026-06-07.

Conditions:
Inborn genetic diseases. Identifiers: MedGen C0950123, MeSH D030342.
Hyperkalemic periodic paralysis. Also called: Familial hyperkalemic periodic paralysis; Gamstorp disease. Identifiers: Orphanet 682, MedGen C0238357, MONDO:0008224, OMIM 170500, HP:0007215.
Congenital myasthenic syndrome 16. Identifiers: Orphanet 590, MedGen C3280112, MONDO:0013620, OMIM 614198.
Hypokalemic periodic paralysis, type 1. Also called: Hypokalemic Periodic Paralysis Type 1 (AD); HypoPP. Identifiers: Orphanet 681, MedGen C3714580, MONDO:0042979, OMIM 170400.
Paramyotonia congenita of Von Eulenburg. Also called: Myotonia congenita intermittens; Von Eulenburg paramyotonia congenita; Paramyotonia Congenita; PARALYSIS PERIODICA PARAMYOTONICA; Eulenburg disease. Identifiers: Orphanet 684, MedGen C0221055, MONDO:0008195, OMIM 168300. Disease mechanism: loss of function.
Hypokalemic periodic paralysis, type 2 (HOKPP2). Identifiers: Orphanet 681, MedGen C2750061, MONDO:0013234, OMIM 613345.
Potassium-aggravated myotonia. Also called: Myotonia congenita, atypical, acetazolamide-responsive; MYOTONIA CONGENITA, ACETAZOLAMIDE-RESPONSIVE; MYOTONIA CONGENITA, ATYPICAL; SODIUM CHANNEL MUSCLE DISEASE. Identifiers: Orphanet 612, Orphanet 99734, Orphanet 99735, Orphanet 99736, MedGen C2931826, MONDO:0018959, OMIM 608390.

Allele frequency attached by ClinVar (database versions not stated): gnomAD exomes 0.00005 and 0.00014; 1000 Genomes Project 0.00040; gnomAD 0.00025; ESP Exome Variant Server 0.00031; 1000 Genomes Project 30x 0.00062; ExAC 0.00014; TOPMed 0.00015.
gnomAD v4.1: 113 of 1,614,002 alleles (0.007%); highest among the groups gnomAD compares: African/African-American, 0.067%; no homozygotes.

Submissions (5):

GeneDx
Classification: Uncertain significance. Last evaluated: 2026-06-07. Review status: criteria provided, single submitter. Criteria: GeneDx Variant Classification Process June 2021. Collection method: clinical testing. Allele origin: germline.
Comment: In silico analysis suggests that this missense variant does not alter protein structure/function; Has not been previously published as pathogenic or benign to our knowledge

Labcorp Genetics (formerly Invitae), Labcorp
Classification: Uncertain significance for Hyperkalemic periodic paralysis. Last evaluated: 2025-12-24. Review status: criteria provided, single submitter. Criteria: Invitae Variant Classification Sherloc (09022015). Collection method: clinical testing. Allele origin: germline.
Comment: This sequence change replaces arginine, which is basic and polar, with histidine, which is basic and polar, at codon 282 of the SCN4A protein (p.Arg282His). This variant is present in population databases (rs200615763, gnomAD 0.07%). This variant has not been reported in the literature in individuals affected with SCN4A-related conditions. ClinVar contains an entry for this variant (Variation ID: 579612). Invitae Evidence Modeling of protein sequence and biophysical properties (such as structural, functional, and spatial information, amino acid conservation, physicochemical variation, residue mobility, and thermodynamic stability) has been performed for this missense variant. However, the output from this modeling did not meet the statistical confidence thresholds required to predict the impact of this variant on SCN4A protein function. In summary, the available evidence is currently insufficient to determine the role of this variant in disease. Therefore, it has been classified as a Variant of Uncertain Significance.

Ambry Genetics
Classification: Uncertain significance for Inborn genetic diseases. Last evaluated: 2025-12-15. Review status: criteria provided, single submitter. Criteria: Ambry Variant Classification Scheme 2023. Collection method: clinical testing. Allele origin: germline.

Fulgent Genetics
Classification: Uncertain significance for Paramyotonia congenita of Von Eulenburg; Hypokalemic periodic paralysis, type 1; Hyperkalemic periodic paralysis; Potassium-aggravated myotonia; Hypokalemic periodic paralysis, type 2; Congenital myasthenic syndrome 16. Last evaluated: 2022-03-30. Review status: criteria provided, single submitter. Criteria: ACMG Guidelines, 2015. Collection method: clinical testing. Allele origin: unknown.

Revvity Omics, Revvity
Classification: Uncertain significance. Last evaluated: 2021-07-22. Review status: criteria provided, single submitter. Criteria: ACMG Guidelines, 2015. Collection method: clinical testing. Allele origin: germline.